The following is an entry in ClinVar:

NM_015018.4(DOP1A):c.6130-8T>C

Genes: DOP1A (DOP1 leucine zipper like protein A; plus strand), PGM3 (phosphoglucomutase 3; minus strand). Cytogenetic location: 6q14.1.
Variant type: single nucleotide variant.
Coding change: c.6130-8T>C on transcript NM_015018.4 (MANE Select); 8 bases into the intron before coding-DNA position 6130, T replaced by C.
Molecular consequence: intron variant.
Genome position (GRCh38, 1-based): chr6:83,153,503, T>C. VCF-style: chr6-83153503-T-C. GRCh37 (hg19) VCF-style: chr6-83863222-T-C.
Other names: c.6100-8T>C (NM_001385860.1, NM_001385861.1, NM_001385856.1 and 1 more transcripts); c.6103-8T>C (NM_001199942.2, NM_001385863.1, NM_001385865.1); c.4594-8T>C (NM_001385864.1); c.5305-8T>C (NM_001385859.1); c.5542-8T>C (NM_001385858.1).
Identifiers: ClinVar variation 2656727 (VCV002656727.24), dbSNP rs188349286, ClinGen allele CA3906160.

ClinVar aggregate classification (germline): Likely benign (1 of 4 stars; one submission).

Allele frequency attached by ClinVar (database versions not stated): ESP Exome Variant Server 0.00038; 1000 Genomes Project 30x 0.00047; TOPMed 0.00034; 1000 Genomes Project 0.00060; gnomAD exomes 0.00083; gnomAD 0.00133; ExAC 0.00144.
gnomAD v4.1: 1,386 of 1,573,140 alleles (0.088%); highest among the groups gnomAD compares: South Asian, 0.11%; 4 homozygotes.

Submission:

CeGaT Center for Human Genetics Tuebingen
Classification: Likely benign. Last evaluated: 2022-05-01. Review status: criteria provided, single submitter. Criteria: CeGaT Center For Human Genetics Tuebingen Variant Classification Criteria Version 2. Collection method: clinical testing. Allele origin: germline. Affected: yes. Observed: 1 variant allele.
Comment: DOP1A: BP4